The following is an entry in ClinVar:

NM_177531.6(PKHD1L1):c.8339C>G (p.Ser2780Cys)

Gene: PKHD1L1 (PKHD1 like 1; plus strand). Cytogenetic location: 8q23.1.
Variant type: single nucleotide variant.
Coding change: c.8339C>G on transcript NM_177531.6 (MANE Select); coding-DNA position 8339, C replaced by G.
Protein change: p.Ser2780Cys; replaces serine 2780 with cysteine.
Molecular consequence: missense variant.
Genome position (GRCh38, 1-based): chr8:109,465,171, C>G. VCF-style: chr8-109465171-C-G. GRCh37 (hg19) VCF-style: chr8-110477400-C-G.
Other names: short protein forms S2780C.
Identifiers: ClinVar variation 3026603 (VCV003026603.22), dbSNP rs2537415674, ClinGen allele CA372017626.
Genomic context (GRCh38, chr8:109,465,171, plus strand): 5'-CTGGAGTTTGTAATGACAGATGTGGGGGTTGGAGTGCAAAGTTTGTTGACGTCCAGTATT[C>G]TCACACACCGAACAAGGCTGGCTTTCGCTGGGAACATGAAATGGTAATGATTGATGTTGA-3'
Protein context (NP_803875.2, residues 2770-2790): WSAKFVDVQY[Ser2780Cys]HTPNKAGFRW

ClinVar aggregate classification (germline): Uncertain significance (1 of 4 stars; one submission).

Allele frequency attached by ClinVar (database versions not stated): gnomAD exomes below 0.00001.
gnomAD v4.1: 1 of 1,613,686 alleles (0.000062%); highest among the groups gnomAD compares: Non-Finnish European, 0.000085%; no homozygotes.

Submission:

CeGaT Center for Human Genetics Tuebingen
Classification: Uncertain significance. Last evaluated: 2023-12-01. Review status: criteria provided, single submitter. Criteria: CeGaT Center For Human Genetics Tuebingen Variant Classification Criteria Version 2. Collection method: clinical testing. Allele origin: germline. Affected: yes. Observed: 1 variant allele.
Comment: PKHD1L1: PM2, BP4